The following is an entry in ClinVar:

NM_000350.3(ABCA4):c.1834C>T (p.Gln612Ter)

Gene: ABCA4 (ATP binding cassette subfamily A member 4; minus strand). Cytogenetic location: 1p22.1.
Variant type: single nucleotide variant.
Coding change: c.1834C>T on transcript NM_000350.3 (MANE Select); coding-DNA position 1834, C replaced by T.
Protein change: p.Gln612Ter; replaces glutamine 612 with a stop codon.
Molecular consequence: nonsense.
Genome position (GRCh38, 1-based): chr1:94,062,680, G>A on the plus strand (C>T on the coding strand, the complement: ABCA4 is on the minus strand). VCF-style: chr1-94062680-G-A. GRCh37 (hg19) VCF-style: chr1-94528236-G-A.
Other names: c.1834C>T, p.Gln612Ter (NM_001425324.1); short protein forms Q612*.
Identifiers: ClinVar variation 372288 (VCV000372288.16), dbSNP rs1057517700, ClinGen allele CA16042375.

ClinVar aggregate classification (germline): Pathogenic/Likely pathogenic. Review status: criteria provided, multiple submitters, no conflicts (2 of 4 stars). 6 submissions from 6 submitters: Pathogenic (5); Likely pathogenic (1). Last evaluated 2023-08-10.

Conditions:
Retinitis pigmentosa 19 (RP19). Also called: ABCA4-Related Retinitis Pigmentosa. Identifiers: Orphanet 791, MedGen C1866422, MONDO:0011137, OMIM 601718.
ABCA4-related disorder. Also called: ABCA4-related disorders; ABCA4-related condition. Identifiers: MedGen CN239167.
Retinal dystrophy. Also called: Inherited retinal dystrophy. Identifiers: Orphanet 71862, MedGen C0854723, MeSH D058499, MONDO:0019118, HP:0000556.

Allele frequency attached by ClinVar (database versions not stated): gnomAD exomes below 0.00001.

Submissions (6):

Labcorp Genetics (formerly Invitae), Labcorp
Classification: Pathogenic. Last evaluated: 2023-08-10. Review status: criteria provided, single submitter. Criteria: Invitae Variant Classification Sherloc (09022015). Collection method: clinical testing. Allele origin: germline.
Comment: This sequence change creates a premature translational stop signal (p.Gln612*) in the ABCA4 gene. It is expected to result in an absent or disrupted protein product. Loss-of-function variants in ABCA4 are known to be pathogenic (PMID: 10958761, 24938718, 25312043, 26780318). For these reasons, this variant has been classified as Pathogenic. ClinVar contains an entry for this variant (Variation ID: 372288). This premature translational stop signal has been observed in individual(s) with Stargardt Disease (PMID: 25474345). This variant is not present in population databases (gnomAD no frequency).

Genetics and Molecular Pathology, SA Pathology
Classification: Pathogenic for Retinitis pigmentosa 19. Last evaluated: 2022-02-09. Review status: criteria provided, single submitter. Criteria: ACMG Guidelines, 2015. Collection method: clinical testing. Allele origin: germline. Affected: yes.

Blueprint Genetics
Classification: Likely pathogenic for ABCA4-related disorders. Last evaluated: 2021-09-08. Review status: criteria provided, single submitter. Criteria: ACMG Guidelines, 2015. Collection method: clinical testing. Allele origin: germline. Affected: yes. Observed: 2 variant alleles.

Institute of Medical Genetics and Applied Genomics, University Hospital Tübingen
Classification: Pathogenic. Last evaluated: 2020-10-23. Review status: criteria provided, single submitter. Criteria: ACMG Guidelines, 2015. Collection method: clinical testing. Allele origin: germline. Inheritance: Autosomal recessive inheritance. Affected: yes.

Institute of Human Genetics, Univ. Regensburg, Univ. Regensburg
Classification: Pathogenic for Retinal dystrophy. Last evaluated: 2020-01-01. Review status: criteria provided, single submitter. Criteria: ACMG Guidelines, 2015. Collection method: clinical testing. Allele origin: germline. Affected: yes.

GeneDx
Classification: Pathogenic. Last evaluated: 2015-07-20. Review status: criteria provided, single submitter. Criteria: GeneDx Variant Classification (06012015). Collection method: clinical testing. Allele origin: germline. Affected: yes.
Comment: The Q612X nonsense variant in the ABCA4 gene is predicted to cause loss of normal protein function either through protein truncation or nonsense-mediated mRNA decay. We therefore consider this variant to be pathogenic.

Literature cited by the submitters: PubMed 10958761 (cited by Labcorp Genetics (formerly Invitae), Labcorp); PubMed 24938718 (cited by Labcorp Genetics (formerly Invitae), Labcorp); PubMed 25312043 (cited by Labcorp Genetics (formerly Invitae), Labcorp); PubMed 26780318 (cited by Labcorp Genetics (formerly Invitae), Labcorp); PubMed 25474345 (cited by Labcorp Genetics (formerly Invitae), Labcorp and Institute of Human Genetics, Univ. Regensburg, Univ. Regensburg).